The following is an entry in ClinVar:

ClinVar aggregate classification (germline): Uncertain significance (1 of 4 stars; one submission).

Conditions:
Primary ciliary dyskinesia. Also called: Ciliary dyskinesia. Identifiers: Orphanet 244, MedGen C0008780, MONDO:0016575, HP:0012265.

Submission:

Labcorp Genetics (formerly Invitae), Labcorp
Classification: Uncertain significance for Primary ciliary dyskinesia. Last evaluated: 2021-09-15. Review status: criteria provided, single submitter. Criteria: Invitae Variant Classification Sherloc (09022015). Collection method: clinical testing. Allele origin: germline.
Comment: In summary, the available evidence is currently insufficient to determine the role of this variant in disease. Therefore, it has been classified as a Variant of Uncertain Significance. This sequence change replaces proline with serine at codon 85 of the RSPH1 protein (p.Pro85Ser). The proline residue is highly conserved and there is a moderate physicochemical difference between proline and serine. This variant is not present in population databases (ExAC no frequency). This variant has not been reported in the literature in individuals affected with RSPH1-related conditions. Algorithms developed to predict the effect of missense changes on protein structure and function are either unavailable or do not agree on the potential impact of this missense change (SIFT: "Tolerated"; PolyPhen-2: "Probably Damaging"; Align-GVGD: "Class C15").

NM_080860.4(RSPH1):c.253C>T (p.Pro85Ser)

Genes: RSPH1 (radial spoke head component 1; minus strand), LOC126653391 (CDK7 strongly-dependent group 2 enhancer GRCh37_chr21:43912470-43913669; plus strand). Cytogenetic location: 21q22.3.
Variant type: single nucleotide variant.
Coding change: c.253C>T on transcript NM_080860.4 (MANE Select); coding-DNA position 253, C replaced by T.
Protein change: p.Pro85Ser; replaces proline 85 with serine.
Molecular consequence: missense variant.
Genome position (GRCh38, 1-based): chr21:42,492,779, G>A on the plus strand (C>T on the coding strand, the complement: RSPH1 is on the minus strand). VCF-style: chr21-42492779-G-A. GRCh37 (hg19) VCF-style: chr21-43912889-G-A.
Other names: c.139C>T, p.Pro47Ser (NM_001286506.2); short protein forms P47S, P85S.
Identifiers: ClinVar variation 1381502 (VCV001381502.6), dbSNP rs2146664507, ClinGen allele CA410366998.